The following is an entry in ClinVar:

NM_000352.6(ABCC8):c.3047T>C (p.Val1016Ala)

Gene: ABCC8 (ATP binding cassette subfamily C member 8; minus strand). Cytogenetic location: 11p15.1.
Variant type: single nucleotide variant.
Coding change: c.3047T>C on transcript NM_000352.6 (MANE Select); coding-DNA position 3047, T replaced by C.
Protein change: p.Val1016Ala; replaces valine 1016 with alanine.
Molecular consequence: missense variant. On other transcripts: non-coding transcript variant (1).
Genome position (GRCh38, 1-based): chr11:17,407,003, A>G on the plus strand (T>C on the coding strand, the complement: ABCC8 is on the minus strand). VCF-style: chr11-17407003-A-G. GRCh37 (hg19) VCF-style: chr11-17428550-A-G.
Other names: c.3050T>C, p.Val1017Ala (NM_001287174.3); c.3113T>C, p.Val1038Ala (NM_001351295.2); c.3047T>C, p.Val1016Ala (NM_001351296.2); c.3044T>C, p.Val1015Ala (NM_001351297.2); short protein forms V1015A, V1016A, V1017A, V1038A.
Identifiers: ClinVar variation 2136283 (VCV002136283.1), dbSNP rs573791452, ClinGen allele CA5902930.

ClinVar aggregate classification (germline): Uncertain significance (1 of 4 stars; one submission).

Allele frequency attached by ClinVar (database versions not stated): ExAC 0.00001; gnomAD 0.00001; gnomAD exomes 0.00001; TOPMed 0.00001.
gnomAD v4.1: 12 of 1,614,076 alleles (0.00074%); highest among the groups gnomAD compares: Admixed American, 0.005%; no homozygotes.

Submission:

GeneDx
Classification: Uncertain significance. Last evaluated: 2023-01-18. Review status: criteria provided, single submitter. Criteria: GeneDx Variant Classification Process June 2021. Collection method: clinical testing. Allele origin: germline. Affected: yes.
Comment: Not observed at significant frequency in large population cohorts (gnomAD); In silico analysis supports that this missense variant does not alter protein structure/function; Has not been previously published as pathogenic or benign to our knowledge